The following is an entry in ClinVar:

NM_003737.4(DCHS1):c.76CTG[6] (p.Leu32_Leu33del)

Gene: DCHS1 (dachsous cadherin-related 1; minus strand). Cytogenetic location: 11p15.4.
Variant type: Microsatellite.
Coding change: c.76CTG[6] on transcript NM_003737.4 (MANE Select); six copies in a row of the 3-base unit CTG starting at c.76; the reference has eight copies in a row; two copies, 6 bases deleted.
Protein change: p.Leu32_Leu33del.
Molecular consequence: inframe deletion.
Genome position (GRCh38, 1-based): chr11:6,641,515-6,641,520, CAGCAG deleted on the plus strand (CTGCTG on the coding strand, the reverse complement: DCHS1 is on the minus strand); deleting any 6 consecutive bases within chr11:6,641,515-6,641,540 gives the same sequence; the position shown is the placement nearest the transcript's 3' end. VCF-style (leftmost placement, unchanged base first): chr11-6641514-CCAGCAG-C. GRCh37 (hg19) VCF-style: chr11-6662745-CCAGCAG-C.
Identifiers: ClinVar variation 1911495 (VCV001911495.5), dbSNP rs72555381, ClinGen allele CA5861213.

ClinVar aggregate classification (germline): Uncertain significance (1 of 4 stars; one submission).

Submission:

Labcorp Genetics (formerly Invitae), Labcorp
Classification: Uncertain significance. Last evaluated: 2025-09-03. Review status: criteria provided, single submitter. Criteria: Invitae Variant Classification Sherloc (09022015). Collection method: clinical testing. Allele origin: germline.
Comment: This variant, c.94_99del, results in the deletion of 2 amino acid(s) of the DCHS1 protein (p.Leu32_Leu33del), but otherwise preserves the integrity of the reading frame. The frequency data for this variant in the population databases is considered unreliable, as metrics indicate poor data quality at this position in the gnomAD database. This variant has not been reported in the literature in individuals affected with DCHS1-related conditions. Experimental studies and prediction algorithms are not available or were not evaluated, and the functional significance of this variant is currently unknown. In summary, the available evidence is currently insufficient to determine the role of this variant in disease. Therefore, it has been classified as a Variant of Uncertain Significance.